The following is an entry in ClinVar:

ClinVar aggregate classification (germline): Uncertain significance (1 of 4 stars; one submission).

Conditions:
Dilated cardiomyopathy 1G (CMD1G). Identifiers: Orphanet 154, MedGen C1858763, MONDO:0011400, OMIM 604145.
Autosomal recessive limb-girdle muscular dystrophy type 2J (LGMDR10). Also called: MUSCULAR DYSTROPHY, LIMB-GIRDLE, AUTOSOMAL RECESSIVE 10; Limb-girdle muscular dystrophy, type 2J. Identifiers: Orphanet 140922, MedGen C1837342, MONDO:0012127, OMIM 608807.

Submission:

Labcorp Genetics (formerly Invitae), Labcorp
Classification: Uncertain significance for Dilated cardiomyopathy 1G; Autosomal recessive limb-girdle muscular dystrophy type 2J. Last evaluated: 2022-05-30. Review status: criteria provided, single submitter. Criteria: Invitae Variant Classification Sherloc (09022015). Collection method: clinical testing. Allele origin: germline.
Comment: This sequence change replaces methionine, which is neutral and non-polar, with valine, which is neutral and non-polar, at codon 34568 of the TTN protein (p.Met34568Val). This variant is not present in population databases (gnomAD no frequency). This variant has not been reported in the literature in individuals affected with TTN-related conditions. Experimental studies and prediction algorithms are not available or were not evaluated, and the functional significance of this variant is currently unknown. In summary, the available evidence is currently insufficient to determine the role of this variant in disease. Therefore, it has been classified as a Variant of Uncertain Significance. This variant is located in the M band of TTN (PMID: 25589632). Variants in this region may be relevant for neuromuscular disorders, but have not been definitively shown to cause cardiomyopathy (PMID: 23975875).

Literature cited by the submitters: PubMed 25589632; PubMed 23975875.

NM_001267550.2(TTN):c.103702A>G (p.Met34568Val)

Genes: TTN (titin; minus strand), TTN-AS1 (TTN antisense RNA 1; plus strand). Cytogenetic location: 2q31.2.
Variant type: single nucleotide variant.
Coding change: c.103702A>G on transcript NM_001267550.2 (MANE Select); coding-DNA position 103702, A replaced by G.
Protein change: p.Met34568Val; replaces methionine 34568 with valine.
Molecular consequence: missense variant.
Genome position (GRCh38, 1-based): chr2:178,532,913, T>C on the plus strand (A>G on the coding strand, the complement: TTN is on the minus strand). VCF-style: chr2-178532913-T-C. GRCh37 (hg19) VCF-style: chr2-179397640-T-C.
Other names: c.98779A>G, p.Met32927Val (NM_001256850.1); c.76507A>G, p.Met25503Val (NM_003319.4); c.95998A>G, p.Met32000Val (NM_133378.4); c.76882A>G, p.Met25628Val (NM_133432.3); c.77083A>G, p.Met25695Val (NM_133437.4); short protein forms M25503V, M32000V, M25628V, M32927V, M34568V, M25695V.
Identifiers: ClinVar variation 2000868 (VCV002000868.4), dbSNP rs879077996, ClinGen allele CA349413701.